The following is an entry in ClinVar:

NM_005591.4(MRE11):c.1061A>G (p.Asn354Ser)

Gene: MRE11 (MRE11 double strand break repair nuclease; minus strand). Cytogenetic location: 11q21.
Variant type: single nucleotide variant.
Coding change: c.1061A>G on transcript NM_005591.4 (MANE Select); coding-DNA position 1061, A replaced by G.
Protein change: p.Asn354Ser; replaces asparagine 354 with serine.
Molecular consequence: missense variant.
Genome position (GRCh38, 1-based): chr11:94,467,850, T>C on the plus strand (A>G on the coding strand, the complement: MRE11 is on the minus strand). VCF-style: chr11-94467850-T-C. GRCh37 (hg19) VCF-style: chr11-94201016-T-C.
Other names: c.1061A>G, p.Asn354Ser (NM_001330347.2, NM_005590.4); short protein forms N354S.
Identifiers: ClinVar variation 2560913 (VCV002560913.2), dbSNP rs2496460295, ClinGen allele CA382373764.
Genomic context (GRCh38, chr11:94,467,850, plus strand): 5'-CAATCTATATAAATAGGACTTACTCGCAGTCGTACAAGAGGCTTCTCTGGCTGGTGAGAA[T>C]TACCCAGACGTTCCCGTTCAGCATTTTCAAGCATTTCTTCAATCTCAAAATTTTTAAAAA-3'
Protein context (NP_005582.1, residues 344-364): LENAERERLG[Asn354Ser]SHQPEKPLVR

ClinVar aggregate classification (germline): Uncertain significance (1 of 4 stars; one submission).

Conditions:
Hereditary cancer-predisposing syndrome. Also called: Neoplastic Syndromes, Hereditary; Hereditary Cancer Syndrome; Hereditary neoplastic syndrome; Tumor predisposition. Identifiers: Orphanet 140162, MedGen C0027672, MeSH D009386, MONDO:0015356.

Submission:

Ambry Genetics
Classification: Uncertain significance for Hereditary cancer-predisposing syndrome. Last evaluated: 2023-05-15. Review status: criteria provided, single submitter. Criteria: Ambry Variant Classification Scheme 2023. Collection method: clinical testing. Allele origin: germline.
Comment: The p.N354S variant (also known as c.1061A>G), located in coding exon 9 of the MRE11A gene, results from an A to G substitution at nucleotide position 1061. The asparagine at codon 354 is replaced by serine, an amino acid with highly similar properties. This amino acid position is conserved. In addition, this alteration is predicted to be tolerated by in silico analysis. Since supporting evidence is limited at this time, the clinical significance of this alteration remains unclear.